The following is an entry in ClinVar:

NM_014336.5(AIPL1):c.323C>T (p.Ala108Val)

Gene: AIPL1 (AIP like 1 HSP90 co-chaperone; minus strand). Cytogenetic location: 17p13.2.
Variant type: single nucleotide variant.
Coding change: c.323C>T on transcript NM_014336.5 (MANE Select); coding-DNA position 323, C replaced by T.
Protein change: p.Ala108Val; replaces alanine 108 with valine.
Molecular consequence: missense variant. On other transcripts: intron variant (1).
Genome position (GRCh38, 1-based): chr17:6,428,460, G>A on the plus strand (C>T on the coding strand, the complement: AIPL1 is on the minus strand). VCF-style: chr17-6428460-G-A. GRCh37 (hg19) VCF-style: chr17-6331780-G-A.
Other names: c.143C>T, p.Ala48Val (NM_001033055.3); c.287C>T, p.Ala96Val (NM_001285399.3); c.257C>T, p.Ala86Val (NM_001285400.3); c.323C>T, p.Ala108Val (NM_001285401.3, NM_001285403.4); c.206C>T, p.Ala69Val (NM_001285402.2); c.277-1403C>T (NM_001033054.3); short protein forms A86V, A108V, A48V, A69V, A96V.
Identifiers: ClinVar variation 846465 (VCV000846465.9), dbSNP rs149124329, ClinGen allele CA8328543.

ClinVar aggregate classification (germline): Conflicting classifications of pathogenicity. Review status: criteria provided, conflicting classifications (1 of 4 stars). 3 submissions from 3 submitters: Uncertain significance (2); Likely benign (1). Last evaluated 2026-08-01.

Conditions:
Leber congenital amaurosis 4 (LCA4). Identifiers: MedGen C1858386, MONDO:0011458, OMIM 604393.
AIPL1-related disorder. Also called: AIPL1-related condition; AIPL1-related disorders. Identifiers: MedGen CN239169.

Allele frequency attached by ClinVar (database versions not stated): ESP Exome Variant Server 0.00038; 1000 Genomes Project 0.00040; 1000 Genomes Project 30x 0.00047; gnomAD 0.00049 and 0.00051; TOPMed 0.00051.
gnomAD v4.1: 146 of 1,613,976 alleles (0.009%); highest among the groups gnomAD compares: African/African-American, 0.17%; no homozygotes.

Submissions (3):

PreventionGenetics, part of Exact Sciences
Classification: Uncertain significance for AIPL1-related condition. Last evaluated: 2026-08-01. Review status: criteria provided, single submitter. Criteria: ACMG Guidelines, 2015. Collection method: clinical testing. Allele origin: germline.
Comment: The AIPL1 c.323C>T variant is predicted to result in the amino acid substitution p.Ala108Val. To our knowledge, this variant has not been reported in the literature. This variant is reported in 0.12% of alleles in individuals of African descent in gnomAD, which may be too frequent to be a primary cause of disease. Although we suspect that this variant may be benign, at this time, the clinical significance of this variant is uncertain due to the absence of conclusive functional and genetic evidence.

Labcorp Genetics (formerly Invitae), Labcorp
Classification: Uncertain significance for Leber congenital amaurosis 4. Last evaluated: 2024-12-02. Review status: criteria provided, single submitter. Criteria: Invitae Variant Classification Sherloc (09022015). Collection method: clinical testing. Allele origin: germline.
Comment: This sequence change replaces alanine, which is neutral and non-polar, with valine, which is neutral and non-polar, at codon 108 of the AIPL1 protein (p.Ala108Val). This variant is present in population databases (rs149124329, gnomAD 0.1%). This variant has not been reported in the literature in individuals affected with AIPL1-related conditions. ClinVar contains an entry for this variant (Variation ID: 846465). Invitae Evidence Modeling of protein sequence and biophysical properties (such as structural, functional, and spatial information, amino acid conservation, physicochemical variation, residue mobility, and thermodynamic stability) has been performed for this missense variant. However, the output from this modeling did not meet the statistical confidence thresholds required to predict the impact of this variant on AIPL1 protein function. In summary, the available evidence is currently insufficient to determine the role of this variant in disease. Therefore, it has been classified as a Variant of Uncertain Significance.

Blueprint Genetics
Classification: Likely benign. Last evaluated: 2023-11-28. Review status: criteria provided, single submitter. Criteria: ACMG Guidelines, 2015. Collection method: clinical testing. Allele origin: germline.